The following continues an entry in ClinVar:

NM_000441.2(SLC26A4):c.1229C>T (p.Thr410Met)

Gene: SLC26A4. ClinVar aggregate classification (germline): Pathogenic. Pathogenic (1).

Submissions 9 to 25 of 25:

Natera, Inc.
Classification: Pathogenic for Pendred syndrome. Last evaluated: 2024-07-11. Review status: criteria provided, single submitter. Criteria: Natera Variant Classification Schema (03/2026). Collection method: clinical testing. Allele origin: germline. Not counted in ClinVar's aggregate classification.
Comment: The c.1229C>T variant in SLC26A4 is a missense variant predicted to cause substitution of threonine to methionine at amino acid 410. This variant is rare in the general population with a frequency below the threshold expected for the associated phenotype(s). This variant has been observed in one or more individuals affected with the associated recessive disease, as either homozygous or compound heterozygous with a second variant (PMID: 35207372, 25394566, 15811013). Additionally, this variant has been observed to segregate in affected family members (PMID: 15811013). Computational prediction algorithms indicate this variant is likely to affect gene or protein function. Given the available evidence, this variant is classified as Pathogenic.

Revvity Omics, Revvity
Classification: Pathogenic. Last evaluated: 2024-04-15. Review status: criteria provided, single submitter. Criteria: ACMG Guidelines, 2015. Collection method: clinical testing. Allele origin: germline. Not counted in ClinVar's aggregate classification.

Baylor Genetics
Classification: Pathogenic for Autosomal recessive nonsyndromic hearing loss 4. Last evaluated: 2024-03-25. Review status: criteria provided, single submitter. Criteria: ACMG Guidelines, 2015. Collection method: clinical testing. Allele origin: unknown. Not counted in ClinVar's aggregate classification.

Blueprint Genetics
Classification: Pathogenic for SLC26A4-related disorders. Last evaluated: 2023-12-15. Review status: criteria provided, single submitter. Criteria: ACMG Guidelines, 2015. Collection method: clinical testing. Allele origin: germline. Affected: yes. Observed: 5 variant alleles. Not counted in ClinVar's aggregate classification.

CeGaT Center for Human Genetics Tuebingen
Classification: Pathogenic. Last evaluated: 2023-03-01. Review status: criteria provided, single submitter. Criteria: CeGaT Center For Human Genetics Tuebingen Variant Classification Criteria Version 2. Collection method: clinical testing. Allele origin: germline. Affected: yes. Observed: 1 variant allele. Not counted in ClinVar's aggregate classification.
Comment: SLC26A4: PM3:Very Strong, PM2, PP1:Moderate

The Shared Resource Centre "Genome", Research Centre for Medical Genetics
Classification: Pathogenic for Autosomal recessive nonsyndromic hearing loss 4. Last evaluated: 2022-11-10. Review status: criteria provided, single submitter. Criteria: ACMG Guidelines, 2015. Collection method: clinical testing. Allele origin: germline. Affected: yes. Observed: 1 variant allele. Not counted in ClinVar's aggregate classification.

GeneDx
Classification: Pathogenic. Last evaluated: 2021-11-19. Review status: criteria provided, single submitter. Criteria: GeneDx Variant Classification Process June 2021. Collection method: clinical testing. Allele origin: germline. Affected: yes. Not counted in ClinVar's aggregate classification.
Comment: T410M accounted for 4% of the SLC26A4 variants identified in a cohort of Korean patients with hearing loss and enlarged vestibular aqueduct (Lee et al., 2014); Published functional studies demonstrate this variant results in reduced or absent surface expression of the protein and impairs anion exchange activity (Lee et al., 2014; Taylor et al., 2002); In silico analysis, which includes protein predictors and evolutionary conservation, supports a deleterious effect; This variant is associated with the following publications: (PMID: 16711435, 21961810, 24338212, 25266519, 19786220, 24224479, 23469187, 15747138, 25468468, 20842945, 26763877, 15811013, 19509082, 11919333, 24007330, 27771369, 30733538, 32165640, 17718863, 9618167, 16283880, 28444304, 28604962, 28964290, 29372807, 30622556, 30693673, 31035178, 30036422, 31599023, 30842343, 31914302, 31541171, 32417962, 30896630, 30275481, 11932316, 31589614, 32447495, 15905611, 32645618, 33597575)

Women's Health and Genetics/Laboratory Corporation of America, LabCorp
Classification: Pathogenic for Pendred syndrome. Last evaluated: 2021-04-09. Review status: criteria provided, single submitter. Criteria: LabCorp Variant Classification Summary - May 2015. Collection method: clinical testing. Allele origin: germline. Not counted in ClinVar's aggregate classification.
Comment: Variant summary: SLC26A4 c.1229C>T (p.Thr410Met) results in a non-conservative amino acid change located in the SLC26A/SulP transporter domain (IPR011547) of the encoded protein sequence. Five of five in-silico tools predict a damaging effect of the variant on protein function. The variant allele was found at a frequency of 0.00018 in 250840 control chromosomes. This frequency is not significantly higher than expected for a pathogenic variant in SLC26A4 causing Pendred Syndrome (0.00018 vs 0.0035), allowing no conclusion about variant significance. c.1229C>T has been widely reported in the literature in multiple individuals affected with Pendred Syndrome (example, Coyle_1998, Fugazzola_2002, Chen_2019). These data indicate that the variant is very likely to be associated with disease. To our knowledge, no experimental evidence demonstrating an impact on protein function has been reported. Multiple clinical diagnostic laboratories and one espert panel (ClinGen Hearing Loss Variant Curation Expert Panel) have submitted clinical-significance assessments for this variant to ClinVar after 2014 without evidence for independent evaluation. All submitters classified the variant as pathogenic/likely pathogenic. Based on the evidence outlined above, the variant was classified as pathogenic.

Myriad Genetics, Inc.
Classification: Pathogenic for Pendred syndrome. Last evaluated: 2019-12-24. Review status: criteria provided, single submitter. Criteria: Myriad Women's Health Autosomal Recessive and X-Linked Classification Criteria (2019). Collection method: clinical testing. Allele origin: unknown. Not counted in ClinVar's aggregate classification.
Comment: NM_000441.1(SLC26A4):c.1229C>T(T410M) is classified as pathogenic in the context of Pendred syndrome. Sources cited for classification include the following: PMID 16283880, 15355436, 11919333, 24224479, 21961810, 11932316, 19786220 and 9618167. Classification of NM_000441.1(SLC26A4):c.1229C>T(T410M) is based on the following criteria: This is a well-established pathogenic variant in the literature that has been observed more frequently in patients with clinical diagnoses than in healthy populations. Please note: this variant was assessed in the context of healthy population screening.

Fulgent Genetics
Classification: Pathogenic for Pendred syndrome; Autosomal recessive nonsyndromic hearing loss 4. Last evaluated: 2018-10-31. Review status: criteria provided, single submitter. Criteria: ACMG Guidelines, 2015. Collection method: clinical testing. Allele origin: unknown. Not counted in ClinVar's aggregate classification.

Division of Hearing and Balance Research, National Hospital Organization Tokyo Medical Center
Classification: Pathogenic for Autosomal recessive nonsyndromic hearing loss 4. Last evaluated: 2017-07-01. Review status: criteria provided, single submitter. Criteria: Submitter's publication. Collection method: clinical testing. Allele origin: germline. Affected: yes. Observed: 5 variant alleles. Clinical features observed: Hearing impairment (HP:0000365). Not counted in ClinVar's aggregate classification.

Laboratory for Molecular Medicine, Mass General Brigham Personalized Medicine
Classification: Pathogenic for Rare genetic deafness. Last evaluated: 2012-03-22. Review status: criteria provided, single submitter. Criteria: LMM Criteria. Collection method: clinical testing. Allele origin: germline. Inheritance: Autosomal recessive inheritance. Observed: 6 variant alleles. Not counted in ClinVar's aggregate classification.
Comment: The Thr410Met variant in SLC26A4 has been reported in over 34 individuals with h earing loss and was not identified in 1576 control chromosomes (Arellano 2005, D ai 2009, Hutchin 2005, Wang 2007). Many of these individuals were homozygous or compound heterozygous. This variant causes the protein to be retained in the en doplasmic reticulum instead of functioning normally at the plasma membrane, thus greatly reducing its sodium-iodide efflux action (Taylor 2002). In summary, thi s variant meets our criteria to be classified as pathogenic.

Juno Genomics, Hangzhou Juno Genomics, Inc
Classification: Pathogenic for Autosomal recessive nonsyndromic hearing loss 4; Pendred syndrome. Review status: criteria provided, single submitter. Criteria: ACMG Guidelines, 2015. Collection method: clinical testing. Allele origin: germline. Affected: yes. Not counted in ClinVar's aggregate classification.
Comment: For recessive disorders, detected in trans with a pathogenic variant.;Co-segregation with disease in multiple affected family members.;Multiple lines of computational evidence support a deleterious effect on the gene or gene product.

Kariminejad - Najmabadi Pathology & Genetics Center
Classification: Pathogenic for Pendred syndrome. Review status: criteria provided, single submitter. Criteria: ACMG Guidelines, 2015. Collection method: clinical testing. Allele origin: germline. Affected: no. Not counted in ClinVar's aggregate classification.

National Institute of Sensory Organs, National Hospital Organization Tokyo Medical Center
Classification: Affects for Autosomal recessive nonsyndromic hearing loss 4. Last evaluated: 2019-08-20. Review status: no assertion criteria provided. Collection method: clinical testing, in vitro. Allele origin: germline. Inheritance: Autosomal recessive inheritance. Affected: yes. Functional consequence: loss_of_function_variant. Not counted in ClinVar's aggregate classification.
Comment: in vitro experiment

Genetic Testing Center for Deafness, Department of Otolaryngology Head & Neck Surgery, Institute of Otolaryngology, Chinese PLA General Hospital
Classification: Likely pathogenic for Autosomal recessive nonsyndromic hearing loss 4. Last evaluated: 2019-02-26. Review status: no assertion criteria provided. Collection method: case-control. Allele origin: inherited. Affected: yes. Observed: 3 variant alleles. Clinical features observed: hearing loss. Not counted in ClinVar's aggregate classification.

University of Washington Center for Mendelian Genomics, University of Washington
Classification: Likely pathogenic for non-syndromic autosomal recessive hearing loss. Review status: no assertion criteria provided. Collection method: research. Allele origin: inherited. Affected: yes. Not counted in ClinVar's aggregate classification.

Literature cited by the submitters: PubMed 19017801 (cited by ClinGen Hearing Loss Variant Curation Expert Panel); PubMed 28444304 (cited by ClinGen Hearing Loss Variant Curation Expert Panel and National Institute of Sensory Organs, National Hospital Organization Tokyo Medical Center); PubMed 9618167 (cited by 7 submitters); PubMed 17309986 (cited by 3 submitters); PubMed 15355436 (cited by 5 submitters); PubMed 27541434 (cited by ClinGen Hearing Loss Variant Curation Expert Panel); PubMed 19509082 (cited by 3 submitters); PubMed 24007330 (cited by 3 submitters); PubMed 19786220 (cited by 5 submitters); PubMed 23638949 (cited by ClinGen Hearing Loss Variant Curation Expert Panel).